The following is an entry in ClinVar:

ClinVar aggregate classification (germline): Uncertain significance (1 of 4 stars; one submission).

gnomAD v4.1: 6 of 1,611,718 alleles (0.00037%); highest among the groups gnomAD compares: Admixed American, 0.0067%; no homozygotes.

Submission:

Labcorp Genetics (formerly Invitae), Labcorp
Classification: Uncertain significance. Last evaluated: 2024-11-28. Review status: criteria provided, single submitter. Criteria: Invitae Variant Classification Sherloc (09022015). Collection method: clinical testing. Allele origin: germline.
Comment: This sequence change replaces glycine, which is neutral and non-polar, with glutamic acid, which is acidic and polar, at codon 239 of the COCH protein (p.Gly239Glu). This variant is present in population databases (no rsID available, gnomAD 0.009%). This variant has not been reported in the literature in individuals affected with COCH-related conditions. Invitae Evidence Modeling of protein sequence and biophysical properties (such as structural, functional, and spatial information, amino acid conservation, physicochemical variation, residue mobility, and thermodynamic stability) indicates that this missense variant is expected to disrupt COCH protein function with a positive predictive value of 95%. In summary, the available evidence is currently insufficient to determine the role of this variant in disease. Therefore, it has been classified as a Variant of Uncertain Significance.

NM_004086.3(COCH):c.716G>A (p.Gly239Glu)

Genes: COCH (cochlin; plus strand), COCH-AS1 (COCH antisense RNA 1; minus strand). Cytogenetic location: 14q12.
Variant type: single nucleotide variant.
Coding change: c.716G>A on transcript NM_004086.3 (MANE Select); coding-DNA position 716, G replaced by A.
Protein change: p.Gly239Glu; replaces glycine 239 with glutamic acid.
Molecular consequence: missense variant. On other transcripts: non-coding transcript variant (1).
Genome position (GRCh38, 1-based): chr14:30,884,639, G>A. VCF-style: chr14-30884639-G-A. GRCh37 (hg19) VCF-style: chr14-31353845-G-A.
Other names: c.716G>A, p.Gly239Glu (NM_001135058.2); c.911G>A, p.Gly304Glu (NM_001347720.2); short protein forms G239E, G304E.
Identifiers: ClinVar variation 3604017 (VCV003604017.2).